The following is an entry in ClinVar:

ClinVar aggregate classification (germline): Pathogenic. Review status: criteria provided, multiple submitters, no conflicts (2 of 4 stars). 3 submissions from 3 submitters: Pathogenic (3). Last evaluated 2025-03-19.

Conditions:
Hereditary cancer-predisposing syndrome. Also called: Tumor predisposition; Hereditary neoplastic syndrome; Hereditary Cancer Syndrome; Neoplastic Syndromes, Hereditary. Identifiers: Orphanet 140162, MedGen C0027672, MeSH D009386, MONDO:0015356.
Breast-ovarian cancer, familial, susceptibility to, 3. Also called: RAD51C-Related Breast/Ovarian Cancer. Identifiers: Orphanet 145, MedGen C3150659, MONDO:0013253, OMIM 613399.
Fanconi anemia complementation group O. Also called: RAD51C-Related Fanconi Anemia. Identifiers: Orphanet 84, MedGen C3150653, MONDO:0013248, OMIM 613390.

Submissions (3):

Ambry Genetics
Classification: Pathogenic for Hereditary cancer-predisposing syndrome. Last evaluated: 2025-03-19. Review status: criteria provided, single submitter. Criteria: Ambry Variant Classification Scheme 2023. Collection method: clinical testing. Allele origin: germline.
Comment: The c.245_246insGATGTACA pathogenic mutation, located in coding exon 2 of the RAD51C gene, results from an insertion of 8 nucleotides at position 245, causing a translational frameshift with a predicted alternate stop codon (p.H82Qfs*22). This variant is considered to be rare based on population cohorts in the Genome Aggregation Database (gnomAD). This alteration is expected to result in loss of function by premature protein truncation or nonsense-mediated mRNA decay. As such, this alteration is interpreted as a disease-causing mutation.

Myriad Genetics, Inc.
Classification: Pathogenic for Breast-ovarian cancer, familial, susceptibility to, 3. Last evaluated: 2023-10-09. Review status: criteria provided, single submitter. Criteria: Myriad Autosomal Dominant, Autosomal Recessive and X-Linked Classification Criteria (2023). Collection method: clinical testing. Allele origin: unknown.
Comment: This variant is considered pathogenic. This variant creates a frameshift predicted to result in premature protein truncation.

Labcorp Genetics (formerly Invitae), Labcorp
Classification: Pathogenic for Fanconi anemia complementation group O. Last evaluated: 2021-05-03. Review status: criteria provided, single submitter. Criteria: Invitae Variant Classification Sherloc (09022015). Collection method: clinical testing. Allele origin: germline.
Comment: For these reasons, this variant has been classified as Pathogenic. This variant has not been reported in the literature in individuals with RAD51C-related conditions. This variant is not present in population databases (ExAC no frequency). This sequence change creates a premature translational stop signal (p.His82Glnfs*22) in the RAD51C gene. It is expected to result in an absent or disrupted protein product. Loss-of-function variants in RAD51C are known to be pathogenic (PMID: 20400964, 21990120, 24800917).

Literature cited by the submitters: PubMed 20400964 (cited by Labcorp Genetics (formerly Invitae), Labcorp); PubMed 21990120 (cited by Labcorp Genetics (formerly Invitae), Labcorp); PubMed 24800917 (cited by Labcorp Genetics (formerly Invitae), Labcorp).

NM_058216.3(RAD51C):c.245_246insGATGTACA (p.His82fs)

Gene: RAD51C (RAD51 paralog C; plus strand). Cytogenetic location: 17q22.
Variant type: Insertion.
Coding change: c.245_246insGATGTACA on transcript NM_058216.3 (MANE Select); coding-DNA positions 245 to 246, GATGTACA inserted.
Protein change: p.His82fs; shifts the reading frame from histidine 82.
Molecular consequence: frameshift variant. On other transcripts: non-coding transcript variant (2).
Genome position: GRCh38 VCF-style: chr17-58695027-C-CACAGATGT. GRCh37 (hg19) VCF-style: chr17-56772388-C-CACAGATGT.
Other names: c.245_246insGATGTACA, p.His82fs (NM_002876.4); short protein forms H82fs.
Identifiers: ClinVar variation 1447812 (VCV001447812.10), dbSNP rs2143721294, ClinGen allele CA2573154408.